The following is an entry in ClinVar:

NM_000535.7(PMS2):c.1399G>A (p.Val467Ile)

Gene: PMS2 (PMS1 homolog 2, mismatch repair system component; minus strand). Cytogenetic location: 7p22.1.
Variant type: single nucleotide variant.
Coding change: c.1399G>A on transcript NM_000535.7 (MANE Select); coding-DNA position 1399, G replaced by A.
Protein change: p.Val467Ile; replaces valine 467 with isoleucine.
Molecular consequence: missense variant. On other transcripts: non-coding transcript variant (1).
Genome position (GRCh38, 1-based): chr7:5,987,366, C>T on the plus strand (G>A on the coding strand, the complement: PMS2 is on the minus strand). VCF-style: chr7-5987366-C-T. GRCh37 (hg19) VCF-style: chr7-6026997-C-T.
Other names: c.994G>A, p.Val332Ile (NM_001322003.2, NM_001322004.2, NM_001322005.2 and 1 more transcripts); c.1243G>A, p.Val415Ile (NM_001322006.2); c.1081G>A, p.Val361Ile (NM_001322007.2, NM_001322008.2); c.838G>A, p.Val280Ile (NM_001322010.2); c.466G>A, p.Val156Ile (NM_001322011.2, NM_001322012.2); c.826G>A, p.Val276Ile (NM_001322013.2); c.1399G>A, p.Val467Ile (NM_001322014.2); c.1090G>A, p.Val364Ile (NM_001322015.2); short protein forms V467I, V332I, V415I, V361I, V364I, V156I, V276I, V280I.
Identifiers: ClinVar variation 142447 (VCV000142447.40), dbSNP rs373611083, ClinGen allele CA009624.

ClinVar aggregate classification (germline): Conflicting classifications of pathogenicity. Review status: criteria provided, conflicting classifications (1 of 4 stars). 13 submissions from 13 submitters: Uncertain significance (5); Benign (2); Likely benign (3). 3 of the submissions do not count toward it. Last evaluated 2026-03-23.

Conditions:
PMS2-related disorder. Also called: PMS2-related condition.
Hereditary nonpolyposis colorectal neoplasms. Identifiers: MedGen C0009405, MeSH D003123.
Lynch-like syndrome.
Breast and/or ovarian cancer. Identifiers: MedGen CN221562.
Hereditary cancer-predisposing syndrome. Also called: Neoplastic Syndromes, Hereditary; Hereditary Cancer Syndrome; Tumor predisposition; Hereditary neoplastic syndrome. Identifiers: Orphanet 140162, MedGen C0027672, MeSH D009386, MONDO:0015356.
Lynch syndrome. Identifiers: Orphanet 144, MedGen C4552100, MONDO:0005835. Disease mechanism: loss of function.

Allele frequency attached by ClinVar (database versions not stated): gnomAD 0.00008; gnomAD exomes 0.00006 and 0.00004; ExAC 0.00007; TOPMed 0.00009.

Submissions (13):

Dasa
Classification: Likely benign. Last evaluated: 2026-03-23. Review status: criteria provided, single submitter. Criteria: DASA Assertion Criteria. Collection method: clinical testing. Allele origin: germline.
Comment: NM_000535.7(PMS2):c.1399G>A (p.Val467Ile) is a missense variant that results in the substitution of valine with isoleucine. Computational prediction algorithms are consistent with a benign effect. Therefore, based on the currently available evidence, this variant is classified as likely benign.

Labcorp Genetics (formerly Invitae), Labcorp
Classification: Benign for Hereditary nonpolyposis colorectal neoplasms. Last evaluated: 2025-12-30. Review status: criteria provided, single submitter. Criteria: Invitae Variant Classification Sherloc (09022015). Collection method: clinical testing. Allele origin: germline.

Women's Health and Genetics/Laboratory Corporation of America, LabCorp
Classification: Uncertain significance. Last evaluated: 2025-09-04. Review status: criteria provided, single submitter. Criteria: LabCorp Variant Classification Summary - May 2015. Collection method: clinical testing. Allele origin: germline.
Comment: Variant summary: PMS2 c.1399G>A (p.Val467Ile) results in a conservative amino acid change in the encoded protein sequence. Algorithms developed to predict the effect of missense changes on protein structure and function all suggest that this variant is likely to be tolerated. The variant allele was found at a frequency of 5.6e-05 in 251490 control chromosomes, predominantly at a frequency of 0.00025 within the African or African-American subpopulation in the gnomAD database. The available data on variant occurrences in the general population are insufficient to allow any conclusion about variant significance. c.1399G>A has been reported in the literature in individuals affected with Lynch Syndrome or Breast Cancer without strong evidence of causality (e.g. Nikitin_2020, Mounai_2023). These reports do not provide unequivocal conclusions about association of the variant with Lynch Syndrome. To our knowledge, no experimental evidence demonstrating an impact on protein function has been reported. The following publications have been ascertained in the context of this evaluation (PMID: 32547938, 36743879). ClinVar contains an entry for this variant (Variation ID: 142447). Based on the evidence outlined above, the variant was classified as uncertain significance.

Ambry Genetics
Classification: Likely benign for Hereditary cancer-predisposing syndrome. Last evaluated: 2025-05-23. Review status: criteria provided, single submitter. Criteria: Ambry Variant Classification Scheme 2023. Collection method: clinical testing. Allele origin: germline.

Quest Diagnostics Nichols Institute San Juan Capistrano
Classification: Uncertain significance. Last evaluated: 2025-04-18. Review status: criteria provided, single submitter. Criteria: Quest Diagnostics criteria. Collection method: clinical testing. Allele origin: unknown.
Comment: The PMS2 c.1399G>A (p.Val467Ile) variant has been reported in the published literature in individuals with breast cancer (PMID: 32547938 (2020)) and Lynch syndrome (PMID: 36743879 (2023)). This variant has also been identified in reportedly unaffected individuals (PMID: 33471991 (2021), see also LOVD). The frequency of this variant in the general population (Genome Aggregation Database) is uninformative in the assessment of its pathogenicity. Analysis of this variant using bioinformatics tools for the prediction of the effect of amino acid changes on protein structure and function yielded predictions that this variant is benign. Based on the available information, we are unable to determine the clinical significance of this variant.

Color Diagnostics, LLC DBA Color Health
Classification: Benign for Hereditary cancer-predisposing syndrome. Last evaluated: 2024-10-16. Review status: criteria provided, single submitter. Criteria: ACMG Guidelines, 2015. Collection method: clinical testing. Allele origin: germline.

GeneDx
Classification: Uncertain significance. Last evaluated: 2024-03-27. Review status: criteria provided, single submitter. Criteria: GeneDx Variant Classification Process June 2021. Collection method: clinical testing. Allele origin: germline. Affected: yes.
Comment: In silico analysis supports that this missense variant does not alter protein structure/function; This variant is associated with the following publications: (PMID: 36743879, 32547938)

Institute for Biomarker Research, Medical Diagnostic Laboratories, L.L.C.
Classification: Uncertain significance for Hereditary cancer-predisposing syndrome. Last evaluated: 2024-03-05. Review status: criteria provided, single submitter. Criteria: ACMG Guidelines, 2015. Collection method: clinical testing. Allele origin: germline.

All of Us Research Program, National Institutes of Health
Classification: Likely benign for Lynch syndrome. Last evaluated: 2024-02-05. Review status: criteria provided, single submitter. Criteria: ACMG Guidelines, 2015. Collection method: clinical testing. Allele origin: germline. Inheritance: Autosomal dominant inheritance. Observed: 16 variant alleles, 16 heterozygotes.
Comment: This study involves interpretation of variants in research participants for the purpose of population health screening. Participant phenotype was not available at the time of variant classification. Additional details can be found in publication PMID: 35346344, PMCID: PMC8962531

CHEO Genetics Diagnostic Laboratory, Children's Hospital of Eastern Ontario
Classification: Uncertain significance for Breast and/or ovarian cancer. Last evaluated: 2022-08-31. Review status: criteria provided, single submitter. Criteria: ACMG Guidelines, 2015. Collection method: clinical testing. Allele origin: germline.

PreventionGenetics, part of Exact Sciences
Classification: Uncertain significance for PMS2-related condition. Last evaluated: 2024-02-07. Review status: no assertion criteria provided. Collection method: clinical testing. Allele origin: germline. Not counted in ClinVar's aggregate classification.
Comment: The PMS2 c.1399G>A variant is predicted to result in the amino acid substitution p.Val467Ile. To our knowledge, this variant has not been reported in the literature. This variant is reported in 0.020% of alleles in individuals of African descent in gnomAD and is listed in ClinVar as uncertain by the majority of labs. At this time, the clinical significance of this variant is uncertain due to the absence of conclusive functional and genetic evidence.

Constitutional Genetics Lab, Leon Berard Cancer Center
Classification: Uncertain significance for Lynch-like syndrome. Last evaluated: 2019-07-01. Review status: no assertion criteria provided. Collection method: clinical testing. Allele origin: somatic. Affected: yes. Not counted in ClinVar's aggregate classification.

Department of Pathology and Laboratory Medicine, Sinai Health System
Classification: Uncertain significance. Review status: no assertion criteria provided. Collection method: clinical testing. Allele origin: unknown. Affected: yes. Study: The Canadian Open Genetics Repository (COGR). Not counted in ClinVar's aggregate classification.
Comment: The PMS2 p.Val332Ile variant was not identified in the literature nor was it identified in COGR, MutDB, LOVD 3.0, Insight Colon Cancer Gene Variant Database or Insight Hereditary Tumors Database. The variant was identified in dbSNP (ID: rs373611083), ClinVar (classified as uncertain significance by GeneDx, Invitae, Ambry Genetics and Quest Diagnostics, and as likely benign by Color), and Cosmic (prostate, endometrium, large intestine and upper aerodigestive tract carcinomas). The variant was identified in control databases in 15 of 282874 chromosomes at a frequency of 0.00005303 (Genome Aggregation Database March 6, 2019, v2.1.1). The variant was observed in the following populations: African in 5 of 24964 chromosomes (freq: 0.0002), East Asian in 3 of 19948 chromosomes (freq: 0.00015) and European (non-Finnish) in 7 of 129184 chromosomes (freq: 0.000054), but was not observed in the Latino, Ashkenazi Jewish, European (Finnish), Other, or South Asian populations. The p.Val332 residue is not conserved in mammals and computational analyses (PolyPhen-2, SIFT, AlignGVGD, BLOSUM, MutationTaster) do not suggest a high likelihood of impact to the protein; however, this information is not predictive enough to rule out pathogenicity. The variant occurs outside of the splicing consensus sequence and in silico or computational prediction software programs (SpliceSiteFinder, MaxEntScan, NNSPLICE, GeneSplicer) do not predict a difference in splicing. In summary, based on the above information the clinical significance of this variant cannot be determined with certainty at this time. This variant is classified as a variant of uncertain significance.

Literature cited by the submitters: PubMed 32547938 (cited by Women's Health and Genetics/Laboratory Corporation of America, LabCorp and Quest Diagnostics Nichols Institute San Juan Capistrano); PubMed 36743879 (cited by 3 submitters); PubMed 33471991 (cited by Quest Diagnostics Nichols Institute San Juan Capistrano).